The following is an entry in ClinVar:

ClinVar aggregate classification (germline): Benign/Likely benign. Review status: criteria provided, multiple submitters, no conflicts (2 of 4 stars). 7 submissions from 7 submitters: Benign (1); Likely benign (5). 1 of the submissions does not count toward it. Last evaluated 2024-10-03.

Conditions:
Classic or attenuated familial adenomatous polyposis. Identifiers: MedGen CN372698, MONDO:0021057.
Hereditary cancer-predisposing syndrome. Also called: Hereditary Cancer Syndrome; Hereditary neoplastic syndrome; Neoplastic Syndromes, Hereditary; Tumor predisposition. Identifiers: Orphanet 140162, MedGen C0027672, MeSH D009386, MONDO:0015356.
Familial adenomatous polyposis 1 (FAP1). Also called: FAMILIAL ADENOMATOUS POLYPOSIS 1, ATTENUATED; POLYPOSIS, ADENOMATOUS INTESTINAL. Identifiers: MedGen C2713442, MONDO:0021056, OMIM 175100. Disease mechanism: loss of function.
Desmoid disease, hereditary (DESMD). Also called: FIBROMATOSIS, FAMILIAL INFILTRATIVE. Identifiers: Orphanet 873, MedGen C1851124, OMIM 135290. Disease mechanism: loss of function.

Allele frequency attached by ClinVar (database versions not stated): gnomAD exomes below 0.00001 and 0.00001; ExAC 0.00002.
gnomAD v4.1: 2 of 1,603,334 alleles (0.00012%); highest among the groups gnomAD compares: East Asian, 0.0045%; no homozygotes.

Submissions (7):

Labcorp Genetics (formerly Invitae), Labcorp
Classification: Likely benign for Familial adenomatous polyposis 1. Last evaluated: 2024-10-03. Review status: criteria provided, single submitter. Criteria: Invitae Variant Classification Sherloc (09022015). Collection method: clinical testing. Allele origin: germline.

Ambry Genetics
Classification: Likely benign for Hereditary cancer-predisposing syndrome. Last evaluated: 2024-03-27. Review status: criteria provided, single submitter. Criteria: Ambry Variant Classification Scheme 2023. Collection method: clinical testing. Allele origin: germline.

Myriad Genetics, Inc.
Classification: Benign for Familial adenomatous polyposis 1. Last evaluated: 2024-03-06. Review status: criteria provided, single submitter. Criteria: Myriad Autosomal Dominant, Autosomal Recessive and X-Linked Classification Criteria (2023). Collection method: clinical testing. Allele origin: unknown.
Comment: This variant is considered benign. This variant is a silent/synonymous amino acid change and it is not expected to impact splicing.

All of Us Research Program, National Institutes of Health
Classification: Likely benign for Classic or attenuated familial adenomatous polyposis. Last evaluated: 2023-09-05. Review status: criteria provided, single submitter. Criteria: ACMG Guidelines, 2015. Collection method: clinical testing. Allele origin: germline. Inheritance: Autosomal dominant inheritance. Observed: 1 variant allele, 1 heterozygote.
Comment: This study involves interpretation of variants in research participants for the purpose of population health screening. Participant phenotype was not available at the time of variant classification. Additional details can be found in publication PMID: 35346344, PMCID: PMC8962531

Department of Pathology and Laboratory Medicine, Sinai Health System
Classification: Likely benign for Desmoid disease, hereditary. Last evaluated: 2020-10-06. Review status: criteria provided, single submitter. Criteria: ACMG Guidelines, 2015. Collection method: clinical testing. Allele origin: germline. Affected: yes.

Color Diagnostics, LLC DBA Color Health
Classification: Likely benign for Hereditary cancer-predisposing syndrome. Last evaluated: 2019-10-08. Review status: criteria provided, single submitter. Criteria: ACMG Guidelines, 2015. Collection method: clinical testing. Allele origin: germline.

Mayo Clinic Laboratories, Mayo Clinic
Classification: Likely benign. Review status: no assertion criteria provided. Collection method: research. Allele origin: unknown. Observed: 1 variant allele. Not counted in ClinVar's aggregate classification.

NM_000038.6(APC):c.1629T>C (p.Val543=)

Gene: APC (APC regulator of Wnt signaling pathway; plus strand). Cytogenetic location: 5q22.2.
Variant type: single nucleotide variant.
Coding change: c.1629T>C on transcript NM_000038.6 (MANE Select); coding-DNA position 1629, T replaced by C.
Protein change: p.Val543=; no amino-acid change (valine 543 retained).
Molecular consequence: synonymous variant.
Genome position (GRCh38, 1-based): chr5:112,828,858, T>C. VCF-style: chr5-112828858-T-C. GRCh37 (hg19) VCF-style: chr5-112164555-T-C.
Other names: c.1629T>C, p.Val543= (NM_001127510.3, NM_001354895.2); c.1575T>C, p.Val525= (NM_001127511.3); c.1683T>C, p.Val561= (NM_001354896.2); c.1659T>C, p.Val553= (NM_001354897.2); c.1554T>C, p.Val518= (NM_001354898.2); c.1545T>C, p.Val515= (NM_001354899.2); c.1506T>C, p.Val502= (NM_001354900.2); c.1452T>C, p.Val484= (NM_001354901.2); and 5 more.
Identifiers: ClinVar variation 217934 (VCV000217934.23), dbSNP rs779848042, ClinGen allele CA028849.